The following is an entry in ClinVar:

ClinVar aggregate classification (germline): Uncertain significance (1 of 4 stars; one submission).

Conditions:
Pheochromocytoma. Also called: MAX-Related Hereditary Paraganglioma-Pheochromocytoma Syndrome. Identifiers: Orphanet 29072, MedGen C0031511, MONDO:0008233, OMIM 171300, HP:0002666.
Gastrointestinal stromal tumor. Also called: Gastrointestinal stromal tumor, somatic; Gastrointestinal stroma tumor. Identifiers: Orphanet 44890, MedGen C0238198, MeSH D046152, MONDO:0011719, OMIM 606764, HP:0100723.
Pheochromocytoma/paraganglioma syndrome 4. Also called: CAROTID BODY TUMORS AND MULTIPLE EXTRAADRENAL PHEOCHROMOCYTOMAS; SDHB-Related Hereditary Paraganglioma-Pheochromocytoma Syndrome (Paragangliomas 4); Paragangliomas 4; SDHB-Related Hereditary Paraganglioma-Pheochromocytoma Syndrome; PARAGANGLIOMA, FAMILIAL MALIGNANT; PARAGANGLIOMAS, HEREDITARY EXTRAADRENAL. Identifiers: Orphanet 29072, MedGen C1861848, MONDO:0007273, OMIM 115310.

Submission:

Labcorp Genetics (formerly Invitae), Labcorp
Classification: Uncertain significance for Gastrointestinal stromal tumor; Pheochromocytoma/paraganglioma syndrome 4; Pheochromocytoma. Last evaluated: 2023-09-29. Review status: criteria provided, single submitter. Criteria: Invitae Variant Classification Sherloc (09022015). Collection method: clinical testing. Allele origin: germline.
Comment: Advanced modeling of protein sequence and biophysical properties (such as structural, functional, and spatial information, amino acid conservation, physicochemical variation, residue mobility, and thermodynamic stability) performed at Invitae indicates that this missense variant is not expected to disrupt SDHB protein function. This sequence change replaces proline, which is neutral and non-polar, with leucine, which is neutral and non-polar, at codon 237 of the SDHB protein (p.Pro237Leu). This variant is not present in population databases (gnomAD no frequency). This variant has not been reported in the literature in individuals affected with SDHB-related conditions. ClinVar contains an entry for this variant (Variation ID: 1034649). In summary, the available evidence is currently insufficient to determine the role of this variant in disease. Therefore, it has been classified as a Variant of Uncertain Significance.

NM_003000.3(SDHB):c.710C>T (p.Pro237Leu)

Gene: SDHB (succinate dehydrogenase complex iron sulfur subunit B; minus strand). Cytogenetic location: 1p36.13.
Variant type: single nucleotide variant.
Coding change: c.710C>T on transcript NM_003000.3 (MANE Select); coding-DNA position 710, C replaced by T.
Protein change: p.Pro237Leu; replaces proline 237 with leucine.
Molecular consequence: missense variant.
Genome position (GRCh38, 1-based): chr1:17,022,663, G>A on the plus strand (C>T on the coding strand, the complement: SDHB is on the minus strand). VCF-style: chr1-17022663-G-A. GRCh37 (hg19) VCF-style: chr1-17349158-G-A.
Other names: short protein forms P237L.
Identifiers: ClinVar variation 1034649 (VCV001034649.5), dbSNP rs878854579, ClinGen allele CA338270262.
Genomic context (GRCh38, chr1:17,022,663, plus strand): 5'-CGTACCTTAGGACAGGTCCTTGTGCAGTTCATGATGGTGTGGCAGCGGTATAGAGAGAAT[G>A]GGTCCTGCAGCTTGGCCAGGCGCTCCTCTGTGAAGTCATCTCTGGAGTCAATCATCCAGC-3'
Protein context (NP_002991.2, residues 227-247): TEERLAKLQD[Pro237Leu]FSLYRCHTIM